The following is an entry in ClinVar:

ClinVar aggregate classification (germline): Likely benign. Review status: criteria provided, multiple submitters, no conflicts (2 of 4 stars). 2 submissions from 2 submitters: Likely benign (2). Last evaluated 2026-04-09.

Conditions:
SH2B1-related disorder. Also called: SH2B1-related condition.

Allele frequency attached by ClinVar (database versions not stated): gnomAD exomes 0.00005 and 0.00010; ExAC 0.00012; ESP Exome Variant Server 0.00031; gnomAD 0.00036 and 0.00040; TOPMed 0.00040; 1000 Genomes Project 30x 0.00047; 1000 Genomes Project 0.00060.
gnomAD v4.1: 138 of 1,583,152 alleles (0.0087%); highest among the groups gnomAD compares: African/African-American, 0.15%; 2 homozygotes.

Submissions (2):

PreventionGenetics, part of Exact Sciences
Classification: Likely benign for SH2B1-related condition. Last evaluated: 2026-04-09. Review status: criteria provided, single submitter. Criteria: ACMG Guidelines, 2015. Collection method: clinical testing. Allele origin: germline.
Comment: This variant is classified as likely benign based on ACMG/AMP sequence variant interpretation guidelines (Richards et al. 2015 PMID: 25741868, with internal and published modifications).

Labcorp Genetics (formerly Invitae), Labcorp
Classification: Likely benign. Last evaluated: 2024-11-18. Review status: criteria provided, single submitter. Criteria: Invitae Variant Classification Sherloc (09022015). Collection method: clinical testing. Allele origin: germline.

NM_001387430.1(SH2B1):c.705G>A (p.Arg235=)

Gene: SH2B1 (SH2B adaptor protein 1; plus strand). Cytogenetic location: 16p11.2.
Variant type: single nucleotide variant.
Coding change: c.705G>A on transcript NM_001387430.1 (MANE Select); coding-DNA position 705, G replaced by A.
Protein change: p.Arg235=; no amino-acid change (arginine 235 retained).
Molecular consequence: synonymous variant. On other transcripts: intron variant (1).
Genome position (GRCh38, 1-based): chr16:28,866,799, G>A. VCF-style: chr16-28866799-G-A. GRCh37 (hg19) VCF-style: chr16-28878120-G-A.
Other names: c.705G>A, p.Arg235= (NM_001145795.2, NM_001145796.2, NM_001145797.2 and 4 more transcripts); c.-26-575G>A (NM_001308294.2).
Identifiers: ClinVar variation 748804 (VCV000748804.7), dbSNP rs144659309, ClinGen allele CA7985987.